The following is an entry in ClinVar:

ClinVar aggregate classification (germline): Uncertain significance (1 of 4 stars; one submission).

Conditions:
Alstrom syndrome (ALMS). Identifiers: Orphanet 64, MedGen C0268425, MONDO:0008763, OMIM 203800.

Submission:

Labcorp Genetics (formerly Invitae), Labcorp
Classification: Uncertain significance for Alstrom syndrome. Last evaluated: 2024-12-16. Review status: criteria provided, single submitter. Criteria: Invitae Variant Classification Sherloc (09022015). Collection method: clinical testing. Allele origin: germline.
Comment: This variant, c.10337_10338delinsTA, is a complex sequence change that results in the deletion of 1 and insertion of 1 amino acid(s) in the ALMS1 protein (p.Pro3446Leu). Information on the frequency of this variant in the gnomAD database is not available, as this variant may be reported differently in the database. This variant has not been reported in the literature in individuals affected with ALMS1-related conditions. ClinVar contains an entry for this variant (Variation ID: 2173576). Experimental studies and prediction algorithms are not available or were not evaluated, and the functional significance of this variant is currently unknown. In summary, the available evidence is currently insufficient to determine the role of this variant in disease. Therefore, it has been classified as a Variant of Uncertain Significance.

NM_001378454.1(ALMS1):c.10334_10335delinsTA (p.Pro3445Leu)

Gene: ALMS1 (ALMS1 centrosome and basal body associated protein; plus strand). Cytogenetic location: 2p13.1.
Variant type: Indel.
Coding change: c.10334_10335delinsTA on transcript NM_001378454.1 (MANE Select); coding-DNA positions 10334 to 10335, CC replaced by TA.
Protein change: p.Pro3445Leu; replaces proline 3445 with leucine.
Molecular consequence: missense variant.
Genome position (GRCh38, 1-based): chr2:73,559,092-73,559,093, CC replaced by TA. VCF-style: chr2-73559092-CC-TA. GRCh37 (hg19) VCF-style: chr2-73786219-CC-TA.
Other names: c.10337_10338delinsTA, p.Pro3446Leu (NM_015120.4); short protein forms P3445L, P3446L.
Identifiers: ClinVar variation 2173576 (VCV002173576.5), dbSNP rs2466408609, ClinGen allele CA2580060350.